The following is an entry in ClinVar:

ClinVar aggregate classification (germline): Uncertain significance. Review status: criteria provided, multiple submitters, no conflicts (2 of 4 stars). 2 submissions from 2 submitters: Uncertain significance (2). Last evaluated 2023-07-10.

Conditions:
Hereditary cancer-predisposing syndrome. Also called: Neoplastic Syndromes, Hereditary; Hereditary neoplastic syndrome; Tumor predisposition; Hereditary Cancer Syndrome. Identifiers: Orphanet 140162, MedGen C0027672, MeSH D009386, MONDO:0015356.
DICER1-related tumor predisposition. Also called: DICER1 syndrome; DICER1-related pleuropulmonary blastoma cancer predisposition syndrome. Identifiers: Orphanet 284343, MedGen C3839822, MONDO:0100216.

Allele frequency attached by ClinVar (database versions not stated): gnomAD exomes below 0.00001.
gnomAD v4.1: 4 of 1,614,136 alleles (0.00025%); highest among the groups gnomAD compares: African/African-American, 0.0013%; no homozygotes.

Submissions (2):

Labcorp Genetics (formerly Invitae), Labcorp
Classification: Uncertain significance for DICER1-related tumor predisposition. Last evaluated: 2023-07-10. Review status: criteria provided, single submitter. Criteria: Invitae Variant Classification Sherloc (09022015). Collection method: clinical testing. Allele origin: germline.
Comment: In summary, the available evidence is currently insufficient to determine the role of this variant in disease. Therefore, it has been classified as a Variant of Uncertain Significance. An algorithm developed to predict the effect of missense changes on protein structure and function (PolyPhen-2) suggests that this variant is likely to be tolerated. ClinVar contains an entry for this variant (Variation ID: 839483). This variant has not been reported in the literature in individuals affected with DICER1-related conditions. This variant is not present in population databases (gnomAD no frequency). This sequence change replaces alanine, which is neutral and non-polar, with threonine, which is neutral and polar, at codon 1478 of the DICER1 protein (p.Ala1478Thr).

Ambry Genetics
Classification: Uncertain significance for Hereditary cancer-predisposing syndrome. Last evaluated: 2021-08-31. Review status: criteria provided, single submitter. Criteria: Ambry Variant Classification Scheme 2023. Collection method: clinical testing. Allele origin: germline.
Comment: The p.A1478T variant (also known as c.4432G>A), located in coding exon 22 of the DICER1 gene, results from a G to A substitution at nucleotide position 4432. The alanine at codon 1478 is replaced by threonine, an amino acid with similar properties. This amino acid position is not well conserved in available vertebrate species. In addition, this alteration is predicted to be tolerated by in silico analysis. Since supporting evidence is limited at this time, the clinical significance of this alteration remains unclear.

NM_177438.3(DICER1):c.4432G>A (p.Ala1478Thr)

Gene: DICER1 (dicer 1, ribonuclease III; minus strand). Cytogenetic location: 14q32.13.
Variant type: single nucleotide variant.
Coding change: c.4432G>A on transcript NM_177438.3 (MANE Select); coding-DNA position 4432, G replaced by A.
Protein change: p.Ala1478Thr; replaces alanine 1478 with threonine.
Molecular consequence: missense variant.
Genome position (GRCh38, 1-based): chr14:95,096,488, C>T on the plus strand (G>A on the coding strand, the complement: DICER1 is on the minus strand). VCF-style: chr14-95096488-C-T. GRCh37 (hg19) VCF-style: chr14-95562825-C-T.
Other names: c.4432G>A, p.Ala1478Thr (NM_001195573.1, NM_001271282.3, NM_001291628.2 and 1 more transcripts); short protein forms A1478T.
Identifiers: ClinVar variation 839483 (VCV000839483.13), dbSNP rs372496188, ClinGen allele CA265898257.